The following is an entry in ClinVar:

NM_020066.5(FMN2):c.3314T>C (p.Val1105Ala)

Gene: FMN2 (formin 2; plus strand). Cytogenetic location: 1q43.
Variant type: single nucleotide variant.
Coding change: c.3314T>C on transcript NM_020066.5 (MANE Select); coding-DNA position 3314, T replaced by C.
Protein change: p.Val1105Ala; replaces valine 1105 with alanine.
Molecular consequence: missense variant. On other transcripts: intron variant (1).
Genome position (GRCh38, 1-based): chr1:240,208,126, T>C. VCF-style: chr1-240208126-T-C. GRCh37 (hg19) VCF-style: chr1-240371426-T-C.
Other names: c.3326T>C, p.Val1109Ala (NM_001305424.2); c.1986+19864T>C (NM_001348094.2); short protein forms V1105A, V1109A.
Identifiers: ClinVar variation 3042118 (VCV003042118.2), dbSNP rs200640213, ClinGen allele CA1477084.

ClinVar aggregate classification (germline): Benign (0 of 4 stars; one submission).

Conditions:
FMN2-related disorder. Also called: FMN2-related condition.

Allele frequency attached by ClinVar (database versions not stated): ESP Exome Variant Server 0.03795; 1000 Genomes Project 0.06969.
gnomAD v4.1: 30,998 of 772,224 alleles (4%); highest among the groups gnomAD compares: Non-Finnish European, 4.1%; 1,471 homozygotes.

Submission:

PreventionGenetics, part of Exact Sciences
Classification: Benign for FMN2-related condition. Last evaluated: 2020-04-29. Review status: no assertion criteria provided. Collection method: clinical testing. Allele origin: germline.
Comment: This variant is classified as benign based on ACMG/AMP sequence variant interpretation guidelines (Richards et al. 2015 PMID: 25741868, with internal and published modifications).